The following is an entry in ClinVar:

NM_001042432.2(CLN3):c.460+3G>A

Gene: CLN3 (CLN3 lysosomal/endosomal transmembrane protein, battenin; minus strand). Cytogenetic location: 16p12.1.
Variant type: single nucleotide variant.
Coding change: c.460+3G>A on transcript NM_001042432.2 (MANE Select); 3 bases into the intron after coding-DNA position 460, G replaced by A.
Molecular consequence: intron variant.
Genome position (GRCh38, 1-based): chr16:28,487,453, C>T on the plus strand (G>A on the coding strand, the complement: CLN3 is on the minus strand). VCF-style: chr16-28487453-C-T. GRCh37 (hg19) VCF-style: chr16-28498774-C-T.
Other names: c.226+3G>A (NM_001286109.2); c.388+3G>A (NM_001286104.2); c.160+3G>A (NM_001286105.2); c.298+3G>A (NM_001286110.2); c.460+3G>A (NM_000086.2).
Identifiers: ClinVar variation 409262 (VCV000409262.9), dbSNP rs779238243, ClinGen allele CA7980923.

ClinVar aggregate classification (germline): Conflicting classifications of pathogenicity. Review status: criteria provided, conflicting classifications (1 of 4 stars). 3 submissions from 3 submitters: Uncertain significance (1); Likely benign (1). 1 of the submissions does not count toward it. Last evaluated 2024-07-31.

Conditions:
CLN3-related disorder. Also called: CLN3-related condition. Identifiers: MedGen CN382248.
Neuronal ceroid lipofuscinosis. Also called: Neuronal Ceroid Lipofuscinoses. Identifiers: Orphanet 216, Orphanet 79263, MedGen C0027877, MONDO:0016295. Disease mechanism: loss of function.

Allele frequency attached by ClinVar (database versions not stated): TOPMed 0.00001; ExAC 0.00004; gnomAD exomes 0.00004.
gnomAD v4.1: 10 of 1,612,900 alleles (0.00062%); highest among the groups gnomAD compares: East Asian, 0.022%; no homozygotes.

Submissions (3):

Labcorp Genetics (formerly Invitae), Labcorp
Classification: Uncertain significance for Neuronal ceroid lipofuscinosis. Last evaluated: 2024-07-31. Review status: criteria provided, single submitter. Criteria: Invitae Variant Classification Sherloc (09022015). Collection method: clinical testing. Allele origin: germline.
Comment: This sequence change falls in intron 7 of the CLN3 gene. It does not directly change the encoded amino acid sequence of the CLN3 protein. It affects a nucleotide within the consensus splice site. This variant is present in population databases (rs779238243, gnomAD 0.05%). This variant has not been reported in the literature in individuals affected with CLN3-related conditions. ClinVar contains an entry for this variant (Variation ID: 409262). Variants that disrupt the consensus splice site are a relatively common cause of aberrant splicing (PMID: 17576681, 9536098). Algorithms developed to predict the effect of sequence changes on RNA splicing suggest that this variant is not likely to affect RNA splicing. In summary, the available evidence is currently insufficient to determine the role of this variant in disease. Therefore, it has been classified as a Variant of Uncertain Significance.

Blueprint Genetics
Classification: Likely benign. Last evaluated: 2021-11-05. Review status: criteria provided, single submitter. Criteria: ACMG Guidelines, 2015. Collection method: clinical testing. Allele origin: germline.

PreventionGenetics, part of Exact Sciences
Classification: Likely benign for CLN3-related condition. Last evaluated: 2019-07-04. Review status: no assertion criteria provided. Collection method: clinical testing. Allele origin: germline. Not counted in ClinVar's aggregate classification.
Comment: This variant is classified as likely benign based on ACMG/AMP sequence variant interpretation guidelines (Richards et al. 2015 PMID: 25741868, with internal and published modifications).

Literature cited by the submitters: PubMed 17576681 (cited by Labcorp Genetics (formerly Invitae), Labcorp); PubMed 9536098 (cited by Labcorp Genetics (formerly Invitae), Labcorp).